The following is an entry in ClinVar:

ClinVar aggregate classification (germline): Uncertain significance (1 of 4 stars; one submission).

Conditions:
Hereditary factor VIII deficiency disease (HEMA). Also called: AUTOSOMAL HEMOPHILIA A; HEMOPHILIA, CLASSIC; Hemophilia A, congenital; HEM A; Factor 8 deficiency, congenital; Hemophilia A. Identifiers: Orphanet 98878, MedGen C0019069, MONDO:0010602, OMIM 306700.
Thrombophilia, X-linked, due to factor 8 defect. Also called: Thrombophilia 13, X-linked, due to factor VIII defect; THROMBOPHILIA, X-LINKED, DUE TO FACTOR VIII DEFECT. Identifiers: MedGen C5676879, MONDO:0859082, OMIM 301071.

Submission:

Juno Genomics, Hangzhou Juno Genomics, Inc
Classification: Uncertain significance for Thrombophilia, X-linked, due to factor 8 defect; Hereditary factor VIII deficiency disease. Review status: criteria provided, single submitter. Criteria: ACMG Guidelines, 2015. Collection method: clinical testing. Allele origin: germline.
Comment: Absent from controls (or at extremely low frequency if recessive) in Genome Aggregation Database.;Multiple lines of computational evidence support a deleterious effect on the gene or gene product.

NM_000132.4(F8):c.1408C>G (p.Pro470Ala)

Gene: F8 (coagulation factor VIII; minus strand). Cytogenetic location: Xq28.
Variant type: single nucleotide variant.
Coding change: c.1408C>G on transcript NM_000132.4 (MANE Select); coding-DNA position 1408, C replaced by G.
Protein change: p.Pro470Ala; replaces proline 470 with alanine.
Molecular consequence: missense variant.
Genome position (GRCh38, 1-based): chrX:154,966,005, G>C on the plus strand (C>G on the coding strand, the complement: F8 is on the minus strand). VCF-style: chrX-154966005-G-C. GRCh37 (hg19) VCF-style: chrX-154194280-G-C.
Other names: short protein forms P470A.
Identifiers: ClinVar variation 5019959 (VCV005019959.2).